The following is an entry in ClinVar:

NM_001035.3(RYR2):c.9295G>C (p.Val3099Leu)

Gene: RYR2 (ryanodine receptor 2; plus strand). Cytogenetic location: 1q43.
Variant type: single nucleotide variant.
Coding change: c.9295G>C on transcript NM_001035.3 (MANE Select); coding-DNA position 9295, G replaced by C.
Protein change: p.Val3099Leu; replaces valine 3099 with leucine.
Molecular consequence: missense variant.
Genome position (GRCh38, 1-based): chr1:237,700,395, G>C. VCF-style: chr1-237700395-G-C. GRCh37 (hg19) VCF-style: chr1-237863695-G-C.
Other names: c.9295G>C, p.Val3099Leu (LRG_402t1); short protein forms V3099L.
Identifiers: ClinVar variation 284726 (VCV000284726.23), dbSNP rs745616771, ClinGen allele CA087855.
Genomic context (GRCh38, chr1:237,700,395, plus strand): 5'-CAGTTCACTCACACCCGAAACCAGCCCAAAGGGGTTACTCAGATTATCAATTACACCACA[G>C]TGGCCCTGCTGCCAATGCTGTCTTCATTATTTGAACATATTGGCCAGCATCAGTTCGGAG-3'
Protein context (NP_001026.2, residues 3089-3109): GVTQIINYTT[Val3099Leu]ALLPMLSSLF

ClinVar aggregate classification (germline): Conflicting classifications of pathogenicity. Review status: criteria provided, conflicting classifications (1 of 4 stars). 7 submissions from 7 submitters: Uncertain significance (6); Likely benign (1). Last evaluated 2025-11-28.

Conditions:
Cardiovascular phenotype. Identifiers: MedGen CN230736.
Catecholaminergic polymorphic ventricular tachycardia (CVPT). Also called: Catecholamine-induced polymorphic ventricular tachycardia. Identifiers: Orphanet 3286, MedGen C5574922, MONDO:0017990.
Cardiomyopathy (CMYO). Also called: Cardiomyopathies. Identifiers: Orphanet 167848, MedGen C0878544, MONDO:0004994, HP:0001638. Inheritance: Various modes of inheritance.
Catecholaminergic polymorphic ventricular tachycardia 1. Also called: VENTRICULAR TACHYCARDIA, CATECHOLAMINERGIC POLYMORPHIC, 1, WITH OR WITHOUT ATRIAL DYSFUNCTION AND/OR DILATED CARDIOMYOPATHY; VENTRICULAR TACHYCARDIA, STRESS-INDUCED POLYMORPHIC 1; RYR2-Related Catecholaminergic Polymorphic Ventricular Tachycardia. Identifiers: Orphanet 3286, MedGen C1631597, MONDO:0011484, OMIM 604772.

Allele frequency attached by ClinVar (database versions not stated): ExAC 0.00001; gnomAD 0.00001; gnomAD exomes 0.00001 and 0.00002; TOPMed 0.00003.
gnomAD v4.1: 9 of 1,609,698 alleles (0.00056%); highest among the groups gnomAD compares: Admixed American, 0.015%; no homozygotes.

Submissions (7):

Labcorp Genetics (formerly Invitae), Labcorp
Classification: Likely benign for Catecholaminergic polymorphic ventricular tachycardia 1. Last evaluated: 2025-11-28. Review status: criteria provided, single submitter. Criteria: Invitae Variant Classification Sherloc (09022015). Collection method: clinical testing. Allele origin: germline.

Molecular Diagnostic Laboratory for Inherited Cardiovascular Disease, Montreal Heart Institute
Classification: Uncertain significance for Cardiovascular phenotype. Last evaluated: 2025-04-09. Review status: criteria provided, single submitter. Criteria: ACMG Guidelines, 2015. Collection method: clinical testing. Allele origin: germline. Affected: yes.

Color Diagnostics, LLC DBA Color Health
Classification: Uncertain significance for Cardiomyopathy. Last evaluated: 2024-05-13. Review status: criteria provided, single submitter. Criteria: ACMG Guidelines, 2015. Collection method: clinical testing. Allele origin: germline.
Comment: This missense variant replaces valine with leucine at codon 3099 of the RYR2 protein. Computational prediction suggests that this variant may not impact protein structure and function (internally defined REVEL score threshold <= 0.5, PMID: 27666373). To our knowledge, functional studies have not been reported for this variant. This variant has not been reported in individuals affected with cardiovascular disorders in the literature. This variant has been identified in 5/242622 chromosomes in the general population by the Genome Aggregation Database (gnomAD). The available evidence is insufficient to determine the role of this variant in disease conclusively. Therefore, this variant is classified as a Variant of Uncertain Significance.

All of Us Research Program, National Institutes of Health
Classification: Uncertain significance for Catecholaminergic polymorphic ventricular tachycardia. Last evaluated: 2024-03-05. Review status: criteria provided, single submitter. Criteria: ACMG Guidelines, 2015. Collection method: clinical testing. Allele origin: germline. Inheritance: Autosomal dominant inheritance. Observed: 6 variant alleles, 6 heterozygotes.
Comment: This missense variant replaces valine with leucine at codon 3099 of the RYR2 protein. Computational prediction suggests that this variant may not impact protein structure and function (internally defined REVEL score threshold <= 0.5, PMID: 27666373). To our knowledge, functional studies have not been reported for this variant. This variant has not been reported in individuals affected with cardiovascular disorders in the literature. This variant has been identified in 5/242622 chromosomes in the general population by the Genome Aggregation Database (gnomAD). The available evidence is insufficient to determine the role of this variant in disease conclusively. Therefore, this variant is classified as a Variant of Uncertain Significance.

This study involves interpretation of variants in research participants for the purpose of population health screening. Participant phenotype was not available at the time of variant classification. Additional details can be found in publication PMID: 35346344, PMCID: PMC8962531

Ambry Genetics
Classification: Uncertain significance for Cardiovascular phenotype. Last evaluated: 2022-11-23. Review status: criteria provided, single submitter. Criteria: Ambry Variant Classification Scheme 2023. Collection method: clinical testing. Allele origin: germline.
Comment: The p.V3099L variant (also known as c.9295G>C), located in coding exon 65 of the RYR2 gene, results from a G to C substitution at nucleotide position 9295. The valine at codon 3099 is replaced by leucine, an amino acid with highly similar properties. This variant was reported in a whole exome testing cohort; however, clinical details were not provided (Landstrom AP et al. Circ Arrhythm Electrophysiol, 2017 Apr;10:[Epub ahead of print]). This amino acid position is well conserved in available vertebrate species. In addition, this alteration is predicted to be tolerated by in silico analysis. Since supporting evidence is limited at this time, the clinical significance of this alteration remains unclear.

Women's Health and Genetics/Laboratory Corporation of America, LabCorp
Classification: Uncertain significance. Last evaluated: 2017-09-11. Review status: criteria provided, single submitter. Criteria: LabCorp Variant Classification Summary - May 2015. Collection method: clinical testing. Allele origin: germline.
Comment: Variant summary: The RYR2 c.9295G>C (p.Val3099Leu) variant involves the alteration of a conserved nucleotide and 3/3 in silico tools (SNPsandGO and Mutation Taster not captured here due to low reliability index and p-value, respectively) predict a benign outcome. This variant was found in 5/239622 control chromosomes, predominantly observed in the Latino subpopulation at a frequency of 0.000152 (5/32962). This frequency is about 6 times the estimated maximal expected allele frequency of a pathogenic RYR2 variant (0.000025), suggesting this is likely a benign polymorphism found primarily in population(s) of Latino origin. A publication, Landstrom_2017, cites the variant to have been observed in a cohort of affected and unaffected individuals, however, exact frequency in each cohort is not provided. A clinical diagnostic laboratories/reputable databases classified this variant as uncertain significance. Taken together, this variant is classified as a "Variant of Uncertain Significance - Possibly Benign."

Eurofins Ntd Llc (ga)
Classification: Uncertain significance. Last evaluated: 2015-11-03. Review status: criteria provided, single submitter. Criteria: EGL Classification Definitions 2015. Collection method: clinical testing. Allele origin: germline. Observed: 1 variant allele, 1 heterozygote.

Literature cited by the submitters: PubMed 28404607 (cited by Ambry Genetics and Women's Health and Genetics/Laboratory Corporation of America, LabCorp).